The following is an entry in ClinVar:

ClinVar aggregate classification (germline): Uncertain significance (1 of 4 stars; one submission).

Allele frequency attached by ClinVar (database versions not stated): TOPMed below 0.00001.

Submission:

Labcorp Genetics (formerly Invitae), Labcorp
Classification: Uncertain significance. Last evaluated: 2023-10-05. Review status: criteria provided, single submitter. Criteria: Invitae Variant Classification Sherloc (09022015). Collection method: clinical testing. Allele origin: germline.
Comment: This sequence change replaces proline, which is neutral and non-polar, with leucine, which is neutral and non-polar, at codon 525 of the ARID1A protein (p.Pro525Leu). This variant is not present in population databases (gnomAD no frequency). This variant has not been reported in the literature in individuals affected with ARID1A-related conditions. Advanced modeling of protein sequence and biophysical properties (such as structural, functional, and spatial information, amino acid conservation, physicochemical variation, residue mobility, and thermodynamic stability) performed at Invitae indicates that this missense variant is not expected to disrupt ARID1A protein function. In summary, the available evidence is currently insufficient to determine the role of this variant in disease. Therefore, it has been classified as a Variant of Uncertain Significance.

NM_006015.6(ARID1A):c.1574C>T (p.Pro525Leu)

Gene: ARID1A (AT-rich interaction domain 1A; plus strand). Cytogenetic location: 1p36.11.
Variant type: single nucleotide variant.
Coding change: c.1574C>T on transcript NM_006015.6 (MANE Select); coding-DNA position 1574, C replaced by T.
Protein change: p.Pro525Leu; replaces proline 525 with leucine.
Molecular consequence: missense variant.
Genome position (GRCh38, 1-based): chr1:26,731,375, C>T. VCF-style: chr1-26731375-C-T. GRCh37 (hg19) VCF-style: chr1-27057866-C-T.
Other names: c.1574C>T, p.Pro525Leu (NM_139135.4); short protein forms P525L.
Identifiers: ClinVar variation 2765725 (VCV002765725.3), dbSNP rs2080674766, ClinGen allele CA339268375.
Genomic context (GRCh38, chr1:26,731,375, plus strand): 5'-AGTCTCAACCACCACAGCTCCAGTCCTCTCAGCCTCCATACTCCCAGCAGCCATCCCAGC[C>T]TCCACATCAGCAGTCCCCGGCTCCATACCCCTCCCAGCAGTCGACGACACAGCAGCACCC-3'
Protein context (NP_006006.3, residues 515-535): QPPYSQQPSQ[Pro525Leu]PHQQSPAPYP